The following is an entry in ClinVar:

NM_000255.4(MMUT):c.1809-1G>C

Gene: MMUT (methylmalonyl-CoA mutase; minus strand). Cytogenetic location: 6p12.3.
Variant type: single nucleotide variant.
Coding change: c.1809-1G>C on transcript NM_000255.4 (MANE Select); the canonical splice acceptor site of the intron before coding-DNA position 1809, G replaced by C.
Molecular consequence: splice acceptor variant.
Genome position (GRCh38, 1-based): chr6:49,440,354, C>G on the plus strand (G>C on the coding strand, the complement: MMUT is on the minus strand). VCF-style: chr6-49440354-C-G. GRCh37 (hg19) VCF-style: chr6-49408067-C-G.
Identifiers: ClinVar variation 2752375 (VCV002752375.3), dbSNP rs2481311030, ClinGen allele CA364395491.

ClinVar aggregate classification (germline): Likely pathogenic (1 of 4 stars; one submission).

Submission:

Labcorp Genetics (formerly Invitae), Labcorp
Classification: Likely pathogenic. Last evaluated: 2023-08-22. Review status: criteria provided, single submitter. Criteria: Invitae Variant Classification Sherloc (09022015). Collection method: clinical testing. Allele origin: germline.
Comment: This sequence change affects an acceptor splice site in intron 10 of the MUT gene. It is expected to disrupt RNA splicing. Variants that disrupt the donor or acceptor splice site typically lead to a loss of protein function (PMID: 16199547), and loss-of-function variants in MUT are known to be pathogenic (PMID: 15781192). This variant is not present in population databases (gnomAD no frequency). This variant has not been reported in the literature in individuals affected with MUT-related conditions. Algorithms developed to predict the effect of sequence changes on RNA splicing suggest that this variant may disrupt the consensus splice site. In summary, the currently available evidence indicates that the variant is pathogenic, but additional data are needed to prove that conclusively. Therefore, this variant has been classified as Likely Pathogenic.

Literature cited by the submitters: PubMed 16199547; PubMed 15781192.